The following is an entry in ClinVar:

NM_021930.6(RINT1):c.2339del (p.Leu780fs)

Genes: EFCAB10 (EF-hand calcium binding domain 10; minus strand), RINT1 (RAD50 interactor 1; plus strand). Cytogenetic location: 7q22.3.
Variant type: Deletion.
Coding change: c.2339del on transcript NM_021930.6 (MANE Select); coding-DNA position 2339, one base deleted (T; older notation c.2339delT).
Protein change: p.Leu780fs; shifts the reading frame from leucine 780.
Molecular consequence: frameshift variant. On other transcripts: 3 prime UTR variant (2), non-coding transcript variant (1), intron variant (3).
Genome position (GRCh38, 1-based): chr7:105,567,271, T deleted. VCF-style (leftmost placement, unchanged base first): chr7-105567270-CT-C. GRCh37 (hg19) VCF-style: chr7-105207717-CT-C.
Other names: c.*183del (NM_001355527.2, NM_001355529.2); c.2105del, p.Leu702fs (NM_001346599.2); c.1316del, p.Leu439fs (NM_001346600.2, NM_001346603.2); c.1415del, p.Leu472fs (NM_001346601.2); c.360-1824del (NM_001355531.2); c.383+196del (NM_001355526.2, NM_001355530.2); short protein forms L439fs, L780fs, L472fs, L702fs.
Identifiers: ClinVar variation 1789814 (VCV001789814.3), dbSNP rs2485203981, ClinGen allele CA2580076153.

ClinVar aggregate classification (germline): Uncertain significance (1 of 4 stars; one submission).

Submission:

Ambry Genetics
Classification: Uncertain significance. Last evaluated: 2026-07-31. Review status: criteria provided, single submitter. Criteria: Ambry Variant Classification Scheme 2023. Collection method: clinical testing. Allele origin: germline.
Comment: The c.2339delT variant, located in coding exon 15 of the RINT1 gene, results from a deletion of one nucleotide at nucleotide position 2339, causing a translational frameshift with a predicted alternate stop codon (p.L780Hfs*4). This variant occurs at the 3' terminus of the gene and is not expected to trigger nonsense-mediated mRNA decay. The evidence for this gene-disease relationship is limited; therefore, the clinical significance of this variant is unclear.